The following is an entry in ClinVar:

NM_017415.3(KLHL3):c.556G>A (p.Glu186Lys)

Gene: KLHL3 (kelch like family member 3; minus strand). Cytogenetic location: 5q31.2.
Variant type: single nucleotide variant.
Coding change: c.556G>A on transcript NM_017415.3 (MANE Select); coding-DNA position 556, G replaced by A.
Protein change: p.Glu186Lys; replaces glutamic acid 186 with lysine.
Molecular consequence: missense variant.
Genome position (GRCh38, 1-based): chr5:137,677,625, C>T on the plus strand (G>A on the coding strand, the complement: KLHL3 is on the minus strand). VCF-style: chr5-137677625-C-T. GRCh37 (hg19) VCF-style: chr5-137013314-C-T.
Other names: c.460G>A, p.Glu154Lys (NM_001257194.1); c.310G>A, p.Glu104Lys (NM_001257195.2); short protein forms E104K, E154K, E186K.
Identifiers: ClinVar variation 4526518 (VCV004526518.1).

ClinVar aggregate classification (germline): Uncertain significance (1 of 4 stars; one submission).

Conditions:
Pseudohypoaldosteronism type 2D (PHA2D). Also called: FAMILIAL HYPERKALEMIC HYPERTENSION; PSEUDOHYPOALDOSTERONISM, TYPE IID, AUTOSOMAL DOMINANT OR RECESSIVE; Pseudohypoaldosteronism Type IID. Identifiers: Orphanet 300525, Orphanet 757, MedGen C3469605, MONDO:0013781, OMIM 614495.

Submission:

MVZ Medizinische Genetik Mainz
Classification: Uncertain significance for Pseudohypoaldosteronism type 2D. Last evaluated: 2023-05-09. Review status: criteria provided, single submitter. Criteria: UK Practice Guidelines For Variant Classification V4 01 2020. Collection method: clinical testing. Allele origin: germline. Inheritance: Autosomal dominant inheritance. Affected: yes. Observed: 1 variant allele.
Comment: ACMG Criteria: PM2_SUP,PP3,PP4